The following is an entry in ClinVar:

ClinVar aggregate classification (germline): Uncertain significance (1 of 4 stars; one submission).

Conditions:
Joubert syndrome 21 (JBTS21). Identifiers: MedGen C3810212, MONDO:0014288, OMIM 615636.

Submission:

Labcorp Genetics (formerly Invitae), Labcorp
Classification: Uncertain significance for Joubert syndrome 21. Last evaluated: 2022-07-21. Review status: criteria provided, single submitter. Criteria: Invitae Variant Classification Sherloc (09022015). Collection method: clinical testing. Allele origin: germline.
Comment: In summary, the available evidence is currently insufficient to determine the role of this variant in disease. Therefore, it has been classified as a Variant of Uncertain Significance. Algorithms developed to predict the effect of missense changes on protein structure and function are either unavailable or do not agree on the potential impact of this missense change (SIFT: "Deleterious"; PolyPhen-2: "Probably Damaging"; Align-GVGD: "Class C0"). This variant has not been reported in the literature in individuals affected with CSPP1-related conditions. This variant is not present in population databases (gnomAD no frequency). This sequence change replaces leucine, which is neutral and non-polar, with arginine, which is basic and polar, at codon 428 of the CSPP1 protein (p.Leu428Arg).

NM_001382391.1(CSPP1):c.1298T>G (p.Leu433Arg)

Gene: CSPP1 (centrosome and spindle pole associated protein 1; plus strand). Cytogenetic location: 8q13.2.
Variant type: single nucleotide variant.
Coding change: c.1298T>G on transcript NM_001382391.1 (MANE Select); coding-DNA position 1298, T replaced by G.
Protein change: p.Leu433Arg; replaces leucine 433 with arginine.
Molecular consequence: missense variant.
Genome position (GRCh38, 1-based): chr8:67,115,924, T>G. VCF-style: chr8-67115924-T-G. GRCh37 (hg19) VCF-style: chr8-68028159-T-G.
Other names: c.401T>G, p.Leu134Arg (NM_001291339.2); c.1217T>G, p.Leu406Arg (NM_001363131.2); c.1256T>G, p.Leu419Arg (NM_001363132.2); c.1175T>G, p.Leu392Arg (NM_001363133.2); c.1364T>G, p.Leu455Arg (NM_001364869.1); c.1184T>G, p.Leu395Arg (NM_001364870.1); c.1283T>G, p.Leu428Arg (NM_024790.7); short protein forms L134R, L392R, L395R, L406R, L419R, L428R, L433R, L455R.
Identifiers: ClinVar variation 1720890 (VCV001720890.5), dbSNP rs2488925308, ClinGen allele CA371197994.